The following is an entry in ClinVar:

NC_000003.11:g.(?_160075257)_(160075386_?)del

Gene: IFT80 (intraflagellar transport 80; minus strand). Cytogenetic location: 3q25.33.
Variant type: Deletion.
Identifiers: ClinVar variation 1054476 (VCV001054476.7).

ClinVar aggregate classification (germline): Uncertain significance (1 of 4 stars; one submission).

Conditions:
Jeune thoracic dystrophy. Also called: Jeune syndrome; Infantile thoracic dystrophy; Thoracic pelvic phalangeal dystrophy; Jeune's syndrome; Chondroectodermal dysplasia-like syndrome; Short-rib thoracic dysplasia. Identifiers: Orphanet 474, MedGen C0265275, MONDO:0018770.

Submission:

Labcorp Genetics (formerly Invitae), Labcorp
Classification: Uncertain significance for Jeune thoracic dystrophy. Last evaluated: 2021-04-08. Review status: criteria provided, single submitter. Criteria: Invitae Variant Classification Sherloc (09022015). Collection method: clinical testing. Allele origin: germline.
Comment: This variant is an in-frame deletion of the genomic region encompassing exon(s) 7 of the IFT80 gene. It preserves the integrity of the reading frame. This variant has not been reported in the literature in individuals with IFT80-related conditions. In summary, the available evidence is currently insufficient to determine the role of this variant in disease. Therefore, it has been classified as a Variant of Uncertain Significance. This variant disrupts a region of the protein in which other variant(s) (p.Ile191Asn) have been observed in individuals with IFT80-related conditions (PMID: 29068549). This suggests that this may be a clinically significant region of the IFT80 protein. Experimental studies and prediction algorithms are not available or were not evaluated, and the functional significance of this variant is currently unknown.

Literature cited by the submitters: PubMed 29068549.